The following is an entry in ClinVar:

NM_000091.5(COL4A3):c.688-1G>A

Genes: COL4A3 (collagen type IV alpha 3 chain; plus strand), MFF-DT (MFF divergent transcript; minus strand). Cytogenetic location: 2q36.3.
Variant type: single nucleotide variant.
Coding change: c.688-1G>A on transcript NM_000091.5 (MANE Select); the canonical splice acceptor site of the intron before coding-DNA position 688, G replaced by A.
Molecular consequence: splice acceptor variant.
Genome position (GRCh38, 1-based): chr2:227,253,560, G>A. VCF-style: chr2-227253560-G-A. GRCh37 (hg19) VCF-style: chr2-228118276-G-A.
Identifiers: ClinVar variation 1494752 (VCV001494752.7), dbSNP rs2069929443, ClinGen allele CA350864871.

ClinVar aggregate classification (germline): Pathogenic/Likely pathogenic. Review status: criteria provided, multiple submitters, no conflicts (2 of 4 stars). 2 submissions from 2 submitters: Pathogenic (1); Likely pathogenic (1). Last evaluated 2025-06-17.

Conditions:
Alport syndrome 3b, autosomal recessive. Identifiers: MedGen C5882699, MONDO:0957811, OMIM 620536.

Allele frequency attached by ClinVar (database versions not stated): gnomAD exomes below 0.00001.
gnomAD v4.1: 1 of 1,613,162 alleles (0.000062%); highest among the groups gnomAD compares: Non-Finnish European, 0.000085%; no homozygotes.

Submissions (2):

Institute of Human Genetics, Cologne University
Classification: Pathogenic for Alport syndrome 3b, autosomal recessive. Last evaluated: 2025-06-17. Review status: criteria provided, single submitter. Criteria: ACMG Guidelines, 2015. Collection method: clinical testing. Allele origin: germline. Affected: yes.

Labcorp Genetics (formerly Invitae), Labcorp
Classification: Likely pathogenic. Last evaluated: 2021-08-31. Review status: criteria provided, single submitter. Criteria: Invitae Variant Classification Sherloc (09022015). Collection method: clinical testing. Allele origin: germline.
Comment: In summary, the currently available evidence indicates that the variant is pathogenic, but additional data are needed to prove that conclusively. Therefore, this variant has been classified as Likely Pathogenic. Algorithms developed to predict the effect of sequence changes on RNA splicing suggest that this variant may disrupt the consensus splice site. This variant has not been reported in the literature in individuals affected with COL4A3-related conditions. This variant is not present in population databases (ExAC no frequency). This sequence change affects an acceptor splice site in intron 12 of the COL4A3 gene. It is expected to disrupt RNA splicing. Variants that disrupt the donor or acceptor splice site typically lead to a loss of protein function (PMID: 16199547), and loss-of-function variants in COL4A3 are known to be pathogenic (PMID: 8956999, 24854265, 26809805, 27281700).

Literature cited by the submitters: PubMed 16199547 (cited by Labcorp Genetics (formerly Invitae), Labcorp); PubMed 8956999 (cited by Labcorp Genetics (formerly Invitae), Labcorp); PubMed 24854265 (cited by Labcorp Genetics (formerly Invitae), Labcorp); PubMed 26809805 (cited by Labcorp Genetics (formerly Invitae), Labcorp); PubMed 27281700 (cited by Labcorp Genetics (formerly Invitae), Labcorp).